The following is an entry in ClinVar:

NC_000014.9:g.(?_102407328)_(102450659_?)dup

Gene: TECPR2 (tectonin beta-propeller repeat containing 2; plus strand). Cytogenetic location: 14q32.31.
Variant type: Duplication.
Identifiers: ClinVar variation 832427 (VCV000832427.8).

ClinVar aggregate classification (germline): Likely pathogenic (1 of 4 stars; one submission).

Conditions:
Hereditary spastic paraplegia 49 (HSAN9). Also called: NEUROPATHY, HEREDITARY SENSORY AND AUTONOMIC, TYPE IX, WITH DEVELOPMENTAL DELAY; Spastic paraplegia 49, autosomal recessive; TECPR2-Related Hereditary Sensory and Autonomic Neuropathy with Intellectual Disability. Identifiers: Orphanet 320385, MedGen C5190860, MONDO:0014016, OMIM 615031.

Submission:

Labcorp Genetics (formerly Invitae), Labcorp
Classification: Likely pathogenic for Hereditary spastic paraplegia 49. Last evaluated: 2022-04-06. Review status: criteria provided, single submitter. Criteria: Invitae Variant Classification Sherloc (09022015). Collection method: clinical testing. Allele origin: germline.
Comment: This variant results in a copy number gain of the genomic region encompassing exon(s) 3-15 of the TECPR2 gene. While the exact position of this variant cannot be determined from the data, sub-genic copy number gains are generally in tandem (PMID: 25640679). This variant is predicted to be out-of-frame, and may result in an absent or disrupted protein product. Loss-of-function variants in TECPR2 are known to be pathogenic (PMID: 23176824, 25590979). This variant has not been reported in the literature in individuals affected with TECPR2-related conditions. In summary, the currently available evidence indicates that the variant is pathogenic, but additional data are needed to prove that conclusively. Therefore, this variant has been classified as Likely Pathogenic.

Literature cited by the submitters: PubMed 25640679; PubMed 23176824; PubMed 25590979.